The following is an entry in ClinVar:

NM_005188.4(CBL):c.838C>G (p.Arg280Gly)

Gene: CBL (Cbl proto-oncogene; plus strand). Cytogenetic location: 11q23.3.
Variant type: single nucleotide variant.
Coding change: c.838C>G on transcript NM_005188.4 (MANE Select); coding-DNA position 838, C replaced by G.
Protein change: p.Arg280Gly; replaces arginine 280 with glycine.
Molecular consequence: missense variant.
Genome position (GRCh38, 1-based): chr11:119,274,922, C>G. VCF-style: chr11-119274922-C-G. GRCh37 (hg19) VCF-style: chr11-119145632-C-G.
Other names: short protein forms R280G.
Identifiers: ClinVar variation 2814048 (VCV002814048.3), dbSNP rs730880432, ClinGen allele CA6318349.

ClinVar aggregate classification (germline): Uncertain significance (1 of 4 stars; one submission).

Conditions:
RASopathy. Also called: rasopathies; Noonan spectrum disorder. Identifiers: Orphanet 536391, MedGen C5555857, MONDO:0021060.

gnomAD v4.1: 2 of 1,614,032 alleles (0.00012%); highest among the groups gnomAD compares: Non-Finnish European, 0.00017%; no homozygotes.

Submission:

Labcorp Genetics (formerly Invitae), Labcorp
Classification: Uncertain significance for RASopathy. Last evaluated: 2022-12-02. Review status: criteria provided, single submitter. Criteria: Invitae Variant Classification Sherloc (09022015). Collection method: clinical testing. Allele origin: germline.
Comment: In summary, the available evidence is currently insufficient to determine the role of this variant in disease. Therefore, it has been classified as a Variant of Uncertain Significance. Advanced modeling of protein sequence and biophysical properties (such as structural, functional, and spatial information, amino acid conservation, physicochemical variation, residue mobility, and thermodynamic stability) has been performed at Invitae for this missense variant, however the output from this modeling did not meet the statistical confidence thresholds required to predict the impact of this variant on CBL protein function. This variant has not been reported in the literature in individuals affected with CBL-related conditions. This variant is present in population databases (rs730880432, gnomAD 0.0009%). This sequence change replaces arginine, which is basic and polar, with glycine, which is neutral and non-polar, at codon 280 of the CBL protein (p.Arg280Gly).